The following is an entry in ClinVar:

NM_001365276.2(TNXB):c.9598T>G (p.Tyr3200Asp)

Gene: TNXB (tenascin XB; minus strand). Cytogenetic location: 6p21.33.
Variant type: single nucleotide variant.
Coding change: c.9598T>G on transcript NM_001365276.2 (MANE Select); coding-DNA position 9598, T replaced by G.
Protein change: p.Tyr3200Asp; replaces tyrosine 3200 with aspartic acid.
Molecular consequence: missense variant.
Genome position (GRCh38, 1-based): chr6:32,049,429, A>C on the plus strand (T>G on the coding strand, the complement: TNXB is on the minus strand). VCF-style: chr6-32049429-A-C. GRCh37 (hg19) VCF-style: chr6-32017206-A-C.
Other names: c.9592T>G, p.Tyr3198Asp (NM_019105.8); short protein forms Y3198D, Y3200D.
Identifiers: ClinVar variation 1767486 (VCV001767486.4), dbSNP rs1257919454, ClinGen allele CA363538839.

ClinVar aggregate classification (germline): Uncertain significance. Review status: criteria provided, multiple submitters, no conflicts (2 of 4 stars). 2 submissions from 2 submitters: Uncertain significance (2). Last evaluated 2024-12-28.

Conditions:
Cardiovascular phenotype. Identifiers: MedGen CN230736.

Allele frequency attached by ClinVar (database versions not stated): gnomAD exomes below 0.00001; gnomAD 0.00001; TOPMed 0.00002.
gnomAD v4.1: 6 of 1,612,486 alleles (0.00037%); highest among the groups gnomAD compares: Non-Finnish European, 0.00051%; no homozygotes.

Submissions (2):

Ambry Genetics
Classification: Uncertain significance for Cardiovascular phenotype. Last evaluated: 2024-12-28. Review status: criteria provided, single submitter. Criteria: Ambry Variant Classification Scheme 2023. Collection method: clinical testing. Allele origin: germline.
Comment: The p.Y3198D variant (also known as c.9592T>G), located in coding exon 27 of the TNXB gene, results from a T to G substitution at nucleotide position 9592. The tyrosine at codon 3198 is replaced by aspartic acid, an amino acid with highly dissimilar properties. This amino acid position is conserved. In addition, the in silico prediction for this alteration is inconclusive. Since supporting evidence is limited at this time, the clinical significance of this alteration remains unclear.

GeneDx
Classification: Uncertain significance. Last evaluated: 2024-05-13. Review status: criteria provided, single submitter. Criteria: GeneDx Variant Classification Process June 2021. Collection method: clinical testing. Allele origin: germline. Affected: yes.
Comment: Has not been previously published as pathogenic or benign to our knowledge; Not observed at significant frequency in large population cohorts (gnomAD); In silico analysis supports that this missense variant has a deleterious effect on protein structure/function